The following is an entry in ClinVar:

ClinVar aggregate classification (germline): Uncertain significance (1 of 4 stars; one submission).

Conditions:
Hereditary sensory and autonomic neuropathy type 6. Also called: HSAN VI; Neuropathy, hereditary sensory and autonomic, type VI. Identifiers: Orphanet 314381, MedGen C3539003, MONDO:0013839, OMIM 614653.
Epidermolysis bullosa simplex 3, localized or generalized intermediate, with BP230 deficiency (EBS3). Also called: Epidermolysis bullosa simplex, autosomal recessive 2; Epidermolysis bullosa simplex due to BP230 deficiency. Identifiers: Orphanet 412181, MedGen C3809470, MONDO:0014180, OMIM 615425.

Allele frequency attached by ClinVar (database versions not stated): ExAC 0.00001; TOPMed 0.00001; ESP Exome Variant Server 0.00008.
gnomAD v4.1: 6 of 1,614,206 alleles (0.00037%); highest among the groups gnomAD compares: East Asian, 0.013%; no homozygotes.

Submission:

Labcorp Genetics (formerly Invitae), Labcorp
Classification: Uncertain significance for Epidermolysis bullosa simplex 3, localized or generalized intermediate, with BP230 deficiency; Hereditary sensory and autonomic neuropathy type 6. Last evaluated: 2022-04-07. Review status: criteria provided, single submitter. Criteria: Invitae Variant Classification Sherloc (09022015). Collection method: clinical testing. Allele origin: germline.
Comment: In summary, the available evidence is currently insufficient to determine the role of this variant in disease. Therefore, it has been classified as a Variant of Uncertain Significance. Algorithms developed to predict the effect of missense changes on protein structure and function are either unavailable or do not agree on the potential impact of this missense change (SIFT: "Tolerated"; PolyPhen-2: "Probably Damaging"; Align-GVGD: "Class C0"). This variant has not been reported in the literature in individuals affected with DST-related conditions. This variant is present in population databases (rs369767468, gnomAD 0.02%). This sequence change replaces glutamine, which is neutral and polar, with arginine, which is basic and polar, at codon 1429 of the DST protein (p.Gln1429Arg).

NM_001723.7(DST):c.4286A>G (p.Gln1429Arg)

Gene: DST (dystonin; minus strand). Cytogenetic location: 6p12.1.
Variant type: single nucleotide variant.
Coding change: c.4286A>G on transcript NM_001723.7 (MANE Plus Clinical); coding-DNA position 4286, A replaced by G.
Protein change: p.Gln1429Arg; replaces glutamine 1429 with arginine.
Molecular consequence: missense variant. On other transcripts: intron variant (10).
Genome position (GRCh38, 1-based): chr6:56,619,748, T>C on the plus strand (A>G on the coding strand, the complement: DST is on the minus strand). VCF-style: chr6-56619748-T-C. GRCh37 (hg19) VCF-style: chr6-56484546-T-C.
Other names: c.4830+4782A>G (NM_001144769.5); c.4929+4782A>G (NM_001374722.1, NM_001374736.1); c.4956+4782A>G (NM_001374734.1); c.4416+4782A>G (NM_001144770.2); c.4296+4782A>G (NM_001374730.1, NM_001386100.1, NM_183380.4 and 1 more transcripts); c.3318+4782A>G (NM_015548.5); short protein forms Q1429R.
Identifiers: ClinVar variation 1930479 (VCV001930479.5), dbSNP rs369767468, ClinGen allele CA3870560.
Genomic context (GRCh38, chr6:56,619,748, plus strand): 5'-GTGGTTTGATTCAATTGCCTACCAAGCTCTCTGAGTTGTTGAGAATACCCTTTCTCCGCC[T>C]GATCCTTCCTTTCCAGCTCCAACTTAAGGCATCTGAGTGTATTATTTGTTTCATCTAGTT-3'
Protein context (NP_001714.1, residues 1419-1439): CLKLELERKD[Gln1429Arg]AEKGYSQQLR